The following is an entry in ClinVar:

NM_052947.4(ALPK2):c.5734G>T (p.Gly1912Cys)

Gene: ALPK2 (alpha kinase 2; minus strand). Cytogenetic location: 18q21.31.
Variant type: single nucleotide variant.
Coding change: c.5734G>T on transcript NM_052947.4 (MANE Select); coding-DNA position 5734, G replaced by T.
Protein change: p.Gly1912Cys; replaces glycine 1912 with cysteine.
Molecular consequence: missense variant.
Genome position (GRCh38, 1-based): chr18:58,517,114, C>A on the plus strand (G>T on the coding strand, the complement: ALPK2 is on the minus strand). VCF-style: chr18-58517114-C-A. GRCh37 (hg19) VCF-style: chr18-56184346-C-A.
Other names: short protein forms G1912C.
Identifiers: ClinVar variation 1749346 (VCV001749346.2), dbSNP rs927412152, ClinGen allele CA402549040.
Genomic context (GRCh38, chr18:58,517,114, plus strand): 5'-TGCGGTGAACCCCTTCTCCAAAGTGCAGCTCCTCCGTGGCGATCTGACCACGCAGGCGGC[C>A]CCCAAAGTAGCTGTCATGGAGGAAGTCTTCTTTGAAGATGAGTTGGCTGAATTCAATCTC-3'
Protein context (NP_443179.3, residues 1902-1922): EDFLHDSYFG[Gly1912Cys]RLRGQIATEE

ClinVar aggregate classification (germline): Uncertain significance (1 of 4 stars; one submission).

Allele frequency attached by ClinVar (database versions not stated): gnomAD exomes below 0.00001; TOPMed below 0.00001; gnomAD 0.00001.
gnomAD v4.1: 2 of 1,614,094 alleles (0.00012%); highest among the groups gnomAD compares: Admixed American, 0.0033%; no homozygotes.

Submission:

Ambry Genetics
Classification: Uncertain significance. Last evaluated: 2021-06-23. Review status: criteria provided, single submitter. Criteria: Ambry Variant Classification Scheme 2023. Collection method: clinical testing. Allele origin: germline.
Comment: The p.G1912C variant (also known as c.5734G>T), located in coding exon 8 of the ALPK2 gene, results from a G to T substitution at nucleotide position 5734. The glycine at codon 1912 is replaced by cysteine, an amino acid with highly dissimilar properties. This amino acid position is conserved. In addition, this alteration is predicted to be tolerated by in silico analysis. Since supporting evidence is limited at this time, the clinical significance of this alteration remains unclear.